The following is an entry in ClinVar:

ClinVar aggregate classification (germline): Uncertain significance (1 of 4 stars; one submission).

gnomAD v4.1: 5 of 1,602,368 alleles (0.00031%); highest among the groups gnomAD compares: African/African-American, 0.0013%; no homozygotes.

Submission:

Labcorp Genetics (formerly Invitae), Labcorp
Classification: Uncertain significance. Last evaluated: 2025-05-04. Review status: criteria provided, single submitter. Criteria: Invitae Variant Classification Sherloc (09022015). Collection method: clinical testing. Allele origin: germline.
Comment: This sequence change replaces valine, which is neutral and non-polar, with isoleucine, which is neutral and non-polar, at codon 81 of the ENPP1 protein (p.Val81Ile). This variant is not present in population databases (gnomAD no frequency). This variant has not been reported in the literature in individuals affected with ENPP1-related conditions. An algorithm developed to predict the effect of missense changes on protein structure and function outputs the following: PolyPhen-2: "Benign". The isoleucine amino acid residue is found in multiple mammalian species, which suggests that this missense change does not adversely affect protein function. In summary, the available evidence is currently insufficient to determine the role of this variant in disease. Therefore, it has been classified as a Variant of Uncertain Significance.

NM_006208.3(ENPP1):c.241G>A (p.Val81Ile)

Gene: ENPP1 (ectonucleotide pyrophosphatase/phosphodiesterase 1; plus strand). Cytogenetic location: 6q23.2.
Variant type: single nucleotide variant.
Coding change: c.241G>A on transcript NM_006208.3 (MANE Select); coding-DNA position 241, G replaced by A.
Protein change: p.Val81Ile; replaces valine 81 with isoleucine.
Molecular consequence: missense variant.
Genome position (GRCh38, 1-based): chr6:131,847,776, G>A. VCF-style: chr6-131847776-G-A. GRCh37 (hg19) VCF-style: chr6-132168916-G-A.
Other names: short protein forms V81I.
Identifiers: ClinVar variation 4702505 (VCV004702505.1).